The following is an entry in ClinVar:

ClinVar aggregate classification (germline): Uncertain significance (1 of 4 stars; one submission).

Conditions:
Long QT syndrome (LQTS). Identifiers: MedGen C0023976, MeSH D008133, MONDO:0002442. Disease mechanism: loss of function. Inheritance: Various modes of inheritance.

Submission:

Labcorp Genetics (formerly Invitae), Labcorp
Classification: Uncertain significance for Long QT syndrome. Last evaluated: 2023-07-08. Review status: criteria provided, single submitter. Criteria: Invitae Variant Classification Sherloc (09022015). Collection method: clinical testing. Allele origin: germline.
Comment: In summary, the available evidence is currently insufficient to determine the role of this variant in disease. Therefore, it has been classified as a Variant of Uncertain Significance. Algorithms developed to predict the effect of sequence changes on RNA splicing suggest that this variant may disrupt the consensus splice site. An algorithm developed to predict the effect of missense changes on protein structure and function (PolyPhen-2) suggests that this variant is likely to be tolerated. This variant has not been reported in the literature in individuals affected with AKAP9-related conditions. This variant is not present in population databases (gnomAD no frequency). This sequence change replaces glutamine, which is neutral and polar, with glutamic acid, which is acidic and polar, at codon 3483 of the AKAP9 protein (p.Gln3483Glu).

NM_005751.5(AKAP9):c.10447C>G (p.Gln3483Glu)

Gene: AKAP9 (A-kinase anchoring protein 9; plus strand). Cytogenetic location: 7q21.2.
Variant type: single nucleotide variant.
Coding change: c.10447C>G on transcript NM_005751.5 (MANE Select); coding-DNA position 10447, C replaced by G.
Protein change: p.Gln3483Glu; replaces glutamine 3483 with glutamic acid.
Molecular consequence: missense variant.
Genome position (GRCh38, 1-based): chr7:92,097,634, C>G. VCF-style: chr7-92097634-C-G. GRCh37 (hg19) VCF-style: chr7-91726948-C-G.
Other names: c.5092C>G, p.Gln1698Glu (NM_001379277.1); c.10423C>G, p.Gln3475Glu (NM_147185.3); short protein forms Q3475E, Q3483E, Q1698E.
Identifiers: ClinVar variation 2738932 (VCV002738932.3), dbSNP rs2535302625, ClinGen allele CA368156327.
Genomic context (GRCh38, chr7:92,097,634, plus strand): 5'-CAAAATTGCCAGCCAACCACGTGGAGCTTAACCAGTGATAGAACTAGAAATTGGGTTCTT[C>G]AACAGAAAATAGAAGGAGAAACAAAAGAATCAAACTACGCTAAATTGATTGAAATGAATG-3'
Protein context (NP_005742.4, residues 3473-3493): TSDRTRNWVL[Gln3483Glu]QKIEGETKES